The following is an entry in ClinVar:

NM_016938.5(EFEMP2):c.1043T>A (p.Met348Lys)

Gene: EFEMP2 (EGF containing fibulin extracellular matrix protein 2; minus strand). Cytogenetic location: 11q13.1.
Variant type: single nucleotide variant.
Coding change: c.1043T>A on transcript NM_016938.5 (MANE Select); coding-DNA position 1043, T replaced by A.
Protein change: p.Met348Lys; replaces methionine 348 with lysine.
Molecular consequence: missense variant. On other transcripts: non-coding transcript variant (1).
Genome position (GRCh38, 1-based): chr11:65,867,988, A>T on the plus strand (T>A on the coding strand, the complement: EFEMP2 is on the minus strand). VCF-style: chr11-65867988-A-T. GRCh37 (hg19) VCF-style: chr11-65635459-A-T.
Other names: short protein forms M348K.
Identifiers: ClinVar variation 2563682 (VCV002563682.2), dbSNP rs767935757, ClinGen allele CA6110431.

ClinVar aggregate classification (germline): Uncertain significance (1 of 4 stars; one submission).

Conditions:
Cardiovascular phenotype. Identifiers: MedGen CN230736.

Submission:

Ambry Genetics
Classification: Uncertain significance for Cardiovascular phenotype. Last evaluated: 2023-03-26. Review status: criteria provided, single submitter. Criteria: Ambry Variant Classification Scheme 2023. Collection method: clinical testing. Allele origin: germline.
Comment: The p.M348K variant (also known as c.1043T>A), located in coding exon 9 of the EFEMP2 gene, results from a T to A substitution at nucleotide position 1043. The methionine at codon 348 is replaced by lysine, an amino acid with similar properties. This amino acid position is conserved. In addition, this alteration is predicted to be deleterious by in silico analysis. Since supporting evidence is limited at this time, the clinical significance of this alteration remains unclear.